The following is an entry in ClinVar:

ClinVar aggregate classification (germline): Pathogenic (1 of 4 stars; one submission).

Submission:

Labcorp Genetics (formerly Invitae), Labcorp
Classification: Pathogenic. Last evaluated: 2023-11-18. Review status: criteria provided, single submitter. Criteria: Invitae Variant Classification Sherloc (09022015). Collection method: clinical testing. Allele origin: germline.
Comment: This sequence change creates a premature translational stop signal (p.His131Metfs*5) in the PCDH15 gene. It is expected to result in an absent or disrupted protein product. Loss-of-function variants in PCDH15 are known to be pathogenic (PMID: 11398101, 11487575, 14570705). This variant is not present in population databases (gnomAD no frequency). This variant has not been reported in the literature in individuals affected with PCDH15-related conditions. For these reasons, this variant has been classified as Pathogenic.

Literature cited by the submitters: PubMed 11398101; PubMed 11487575; PubMed 14570705.

NM_001384140.1(PCDH15):c.391del (p.His131fs)

Gene: PCDH15 (protocadherin related 15; minus strand). Cytogenetic location: 10q21.1.
Variant type: Deletion.
Coding change: c.391del on transcript NM_001384140.1 (MANE Select); coding-DNA position 391, one base deleted (C; older notation c.391delC).
Protein change: p.His131fs; shifts the reading frame from histidine 131.
Molecular consequence: frameshift variant.
Genome position (GRCh38, 1-based): chr10:54,369,203, G deleted on the plus strand (C on the coding strand, the reverse complement: PCDH15 is on the minus strand); the first of 2 consecutive G bases (chr10:54,369,203-54,369,204); deleting either gives the same sequence. VCF-style (leftmost placement, unchanged base first): chr10-54369202-TG-T. GRCh37 (hg19) VCF-style: chr10-56128962-TG-T.
Other names: c.406del, p.His136fs (NM_001142763.2, NM_001142771.2); c.391del, p.His131fs (NM_001142764.2, NM_001142765.2, NM_001142766.2 and 8 more transcripts); c.325del, p.His109fs (NM_001142768.2, NM_001142773.2, NM_001354404.2); c.405delC, p.His136Metfs (NM_001142769.4); short protein forms H109fs, H131fs, H136fs.
Identifiers: ClinVar variation 2697210 (VCV002697210.3), dbSNP rs2547833048, ClinGen allele CA2697558374.
Genomic context (GRCh38, chr10:54,369,202, plus strand): 5'-CTTTCATGCTTGAAAGTGGGTGAGTTGTCATTCCTGTCTCTCACCACTATTCGCACTTCA[TG>T]GTAGATAATAGTGCCCACTTTTTTGTTGATGCACTGGACCTGCACCACAATGGAGTGTAT-3'